The following is an entry in ClinVar:

NM_001130965.3(SUN1):c.745G>A (p.Val249Met)

Gene: SUN1 (Sad1 and UNC84 domain containing 1; plus strand). Cytogenetic location: 7p22.3.
Variant type: single nucleotide variant.
Coding change: c.745G>A on transcript NM_001130965.3 (MANE Select); coding-DNA position 745, G replaced by A.
Protein change: p.Val249Met; replaces valine 249 with methionine.
Molecular consequence: missense variant. On other transcripts: synonymous variant (1), non-coding transcript variant (3), intron variant (12).
Genome position (GRCh38, 1-based): chr7:851,470, G>A. VCF-style: chr7-851470-G-A. GRCh37 (hg19) VCF-style: chr7-891107-G-A.
Other names: c.904G>A, p.Val302Met (NM_001367684.1); c.856G>A, p.Val286Met (NM_001367685.1, NM_001367664.1, NM_001367638.1 and 1 more transcripts); c.1138G>A, p.Val380Met (NM_001367687.1, NM_001367678.1, NM_001367699.1 and 2 more transcripts); c.829G>A, p.Val277Met (NM_001367688.1, NM_001367683.1); c.706G>A, p.Val236Met (NM_001367689.1, NM_001367667.1, NM_001367645.1 and 1 more transcripts); c.745G>A, p.Val249Met (NM_001367665.1, NM_001367633.1, NM_001367634.1 and 3 more transcripts); c.988G>A, p.Val330Met (NM_001367666.1, NM_001367636.1, NM_001367655.1 and 1 more transcripts); c.790G>A, p.Val264Met (NM_001367668.1, NM_001367647.1, NM_001367649.1); and 24 more; short protein forms V223M, V227M, V265M, V315M, V60M, V258M, V277M, V302M.
Identifiers: ClinVar variation 2164773 (VCV002164773.6), dbSNP rs75110306, ClinGen allele CA4111903.

ClinVar aggregate classification (germline): Uncertain significance. Review status: criteria provided, multiple submitters, no conflicts (2 of 4 stars). 2 submissions from 2 submitters: Uncertain significance (2). Last evaluated 2025-12-08.

Conditions:
Emery-Dreifuss muscular dystrophy (EDMD). Also called: Scapuloperoneal syndrome, X-linked (formerly); Humeroperoneal neuromuscular disease, (formerly). Identifiers: Orphanet 261, MedGen C0410189, MONDO:0016830.

Allele frequency attached by ClinVar (database versions not stated): ExAC 0.00001; TOPMed 0.00002; gnomAD 0.00003; gnomAD exomes 0.00006; 1000 Genomes Project 30x 0.00031.
gnomAD v4.1: 90 of 1,606,460 alleles (0.0056%); highest among the groups gnomAD compares: East Asian, 0.18%; no homozygotes.

Submissions (2):

Ambry Genetics
Classification: Uncertain significance. Last evaluated: 2025-12-08. Review status: criteria provided, single submitter. Criteria: Ambry Variant Classification Scheme 2023. Collection method: clinical testing. Allele origin: germline.

Labcorp Genetics (formerly Invitae), Labcorp
Classification: Uncertain significance for Emery-Dreifuss muscular dystrophy. Last evaluated: 2022-06-13. Review status: criteria provided, single submitter. Criteria: Invitae Variant Classification Sherloc (09022015). Collection method: clinical testing. Allele origin: germline.
Comment: In summary, the available evidence is currently insufficient to determine the role of this variant in disease. Therefore, it has been classified as a Variant of Uncertain Significance. Algorithms developed to predict the effect of missense changes on protein structure and function output the following: SIFT: "Tolerated"; PolyPhen-2: "Benign"; Align-GVGD: "Class C0". The methionine amino acid residue is found in multiple mammalian species, which suggests that this missense change does not adversely affect protein function. This variant has not been reported in the literature in individuals affected with SUN1-related conditions. The frequency data for this variant in the population databases is considered unreliable, as metrics indicate poor data quality at this position in the gnomAD database. This sequence change replaces valine, which is neutral and non-polar, with methionine, which is neutral and non-polar, at codon 249 of the SUN1 protein (p.Val249Met).